The following is an entry in ClinVar:

NM_001377265.1(MAPT):c.133+19A>G

Gene: MAPT (microtubule associated protein tau). Cytogenetic location: 17q21.31.
Variant type: single nucleotide variant.
Coding change: c.133+19A>G on transcript NM_001377265.1 (MANE Select); 19 bases into the intron after coding-DNA position 133, A replaced by G.
Molecular consequence: intron variant.
Genome position (GRCh38, 1-based): chr17:45,962,489, A>G. VCF-style: chr17-45962489-A-G. GRCh37 (hg19) VCF-style: chr17-44039855-A-G.
Other names: c.133+19A>G (NM_001377268.1, NM_001123066.4, NM_016835.5 and 8 more transcripts).
Identifiers: ClinVar variation 3613224 (VCV003613224.3).

ClinVar aggregate classification (germline): Likely benign. Review status: criteria provided, multiple submitters, no conflicts (2 of 4 stars). 2 submissions from 2 submitters: Likely benign (2). Last evaluated 2026-01-20.

Conditions:
Frontotemporal dementia (FTD1). Also called: FRONTOTEMPORAL DEMENTIA WITH PARKINSONISM; FRONTOTEMPORAL LOBE DEMENTIA; FRONTOTEMPORAL LOBAR DEGENERATION WITH TAU INCLUSIONS; FTLD WITH TAU INCLUSIONS; Frontotemporal lobe dementia (FLDEM); WILHELMSEN-LYNCH DISEASE. Identifiers: Orphanet 282, MedGen C0338451, MONDO:0017276, OMIM 600274, HP:0002145.

gnomAD v4.1: 31 of 1,612,186 alleles (0.0019%); highest among the groups gnomAD compares: East Asian, 0.018%; no homozygotes.

Submissions (2):

Women's Health and Genetics/Laboratory Corporation of America, LabCorp
Classification: Likely benign. Last evaluated: 2026-01-20. Review status: criteria provided, single submitter. Criteria: LabCorp Variant Classification Summary - May 2015. Collection method: clinical testing. Allele origin: germline.
Comment: Variant summary: MAPT c.133+19A>G alters a nucleotide located at a position not widely known to affect splicing. Consensus agreement among computation tools predict no significant impact on normal splicing. However, these predictions have yet to be confirmed by functional studies. The variant allele was found at a frequency of 2.4e-05 in 249058 control chromosomes. The available data on variant occurrences in the general population are insufficient to allow any conclusion about variant significance. To our knowledge, no occurrence of c.133+19A>G in individuals affected with MAPT-related conditions and no experimental evidence demonstrating its impact on protein function have been reported. ClinVar contains an entry for this variant (Variation ID: 3613224). Based on the evidence outlined above, the variant was classified as likely benign.

Labcorp Genetics (formerly Invitae), Labcorp
Classification: Likely benign for Frontotemporal dementia. Last evaluated: 2024-09-24. Review status: criteria provided, single submitter. Criteria: Invitae Variant Classification Sherloc (09022015). Collection method: clinical testing. Allele origin: germline.